The following is an entry in ClinVar:

NM_001130987.2(DYSF):c.181del (p.Asp61fs)

Gene: DYSF (dysferlin; plus strand). Cytogenetic location: 2p13.2.
Variant type: Deletion.
Coding change: c.181del on transcript NM_001130987.2 (MANE Select); coding-DNA position 181, one base deleted (G; older notation c.181delG).
Protein change: p.Asp61fs; shifts the reading frame from aspartic acid 61.
Molecular consequence: frameshift variant.
Genome position (GRCh38, 1-based): chr2:71,481,912, G deleted; the last of 2 consecutive G bases (chr2:71,481,911-71,481,912); deleting either gives the same sequence. VCF-style (leftmost placement, unchanged base first): chr2-71481910-TG-T. GRCh37 (hg19) VCF-style: chr2-71709040-TG-T.
Other names: c.181del, p.Asp61fs (NM_001130455.2, NM_001130982.2, NM_001130983.2 and 3 more transcripts); c.178del, p.Asp60fs (NM_001130976.2, NM_001130977.2, NM_001130978.2 and 4 more transcripts); short protein forms D60fs, D61fs.
Identifiers: ClinVar variation 1724053 (VCV001724053.3), dbSNP rs2467184232, ClinGen allele CA2580067887.

ClinVar aggregate classification (germline): Likely pathogenic (1 of 4 stars; one submission).

Conditions:
Autosomal recessive limb-girdle muscular dystrophy. Identifiers: Orphanet 102015, MedGen C2931907, MONDO:0015152.

Submission:

Myriad Genetics, Inc.
Classification: Likely pathogenic for Autosomal recessive limb-girdle muscular dystrophy. Last evaluated: 2022-01-24. Review status: criteria provided, single submitter. Criteria: Myriad Autosomal Dominant, Autosomal Recessive and X-Linked Classification Criteria (2023). Collection method: clinical testing. Allele origin: unknown.
Comment: NM_003494.3(DYSF):c.178delG(D60Tfs*91) is expected to be pathogenic in the context of dysferlinopathy. This variant is predicted to lead to an abnormal or absent protein product due to the creation of a premature termination codon in DYSF, a gene where loss-of-function variants are known to be pathogenic. Please note: this variant was assessed in the context of healthy population screening.